The following is an entry in ClinVar:

NM_004174.4(SLC9A3):c.2270T>G (p.Phe757Cys)

Genes: SLC9A3 (solute carrier family 9 member A3), SLC9A3-AS1 (SLC9A3 antisense RNA 1; plus strand). Cytogenetic location: 5p15.33.
Variant type: single nucleotide variant.
Coding change: c.2270T>G on transcript NM_004174.4 (MANE Select); coding-DNA position 2270, T replaced by G.
Protein change: p.Phe757Cys; replaces phenylalanine 757 with cysteine.
Molecular consequence: missense variant.
Genome position (GRCh38, 1-based): chr5:475,114, A>C on the plus strand (T>G on the coding strand, the complement: SLC9A3 is on the minus strand). VCF-style: chr5-475114-A-C. GRCh37 (hg19) VCF-style: chr5-475229-A-C.
Other names: c.2243T>G, p.Phe748Cys (NM_001284351.3); short protein forms F757C, F748C.
Identifiers: ClinVar variation 1498262 (VCV001498262.6), dbSNP rs1738634876, ClinGen allele CA359023629.

ClinVar aggregate classification (germline): Uncertain significance (1 of 4 stars; one submission).

Allele frequency attached by ClinVar (database versions not stated): gnomAD 0.00001; TOPMed 0.00001.
gnomAD v4.1: 2 of 1,600,036 alleles (0.00012%); highest among the groups gnomAD compares: African/African-American, 0.0027%; no homozygotes.

Submission:

Labcorp Genetics (formerly Invitae), Labcorp
Classification: Uncertain significance. Last evaluated: 2022-08-16. Review status: criteria provided, single submitter. Criteria: Invitae Variant Classification Sherloc (09022015). Collection method: clinical testing. Allele origin: germline.
Comment: ClinVar contains an entry for this variant (Variation ID: 1498262). In summary, the available evidence is currently insufficient to determine the role of this variant in disease. Therefore, it has been classified as a Variant of Uncertain Significance. Algorithms developed to predict the effect of missense changes on protein structure and function are either unavailable or do not agree on the potential impact of this missense change (SIFT: "Not Available"; PolyPhen-2: "Probably Damaging"; Align-GVGD: "Not Available"). This variant has not been reported in the literature in individuals affected with SLC9A3-related conditions. This variant is not present in population databases (gnomAD no frequency). This sequence change replaces phenylalanine with cysteine at codon 757 of the SLC9A3 protein (p.Phe757Cys). The phenylalanine residue is moderately conserved and there is a large physicochemical difference between phenylalanine and cysteine.